The following is an entry in ClinVar:

ClinVar aggregate classification (germline): Uncertain significance (1 of 4 stars; one submission).

Conditions:
Atrial standstill 1 (ATRST1). Also called: ATRIAL CARDIOMYOPATHY WITH HEART BLOCK; CARDIOMYOPATHY, FAMILIAL, WITH CONDUCTION DISTURBANCE; Atrial standstill, digenic (GJA5/SCN5A). Identifiers: Orphanet 1344, MedGen C4551959, MONDO:0007171, OMIM 108770.
Atrial fibrillation, familial, 11 (ATFB11). Identifiers: MedGen C3279693, MONDO:0013544, OMIM 614049.

gnomAD v4.1: 8 of 1,614,108 alleles (0.0005%); highest among the groups gnomAD compares: Admixed American, 0.012%; no homozygotes.

Submission:

Labcorp Genetics (formerly Invitae), Labcorp
Classification: Uncertain significance for Atrial fibrillation, familial, 11; Atrial standstill 1. Last evaluated: 2025-06-27. Review status: criteria provided, single submitter. Criteria: Invitae Variant Classification Sherloc (09022015). Collection method: clinical testing. Allele origin: germline.
Comment: This sequence change replaces arginine, which is basic and polar, with proline, which is neutral and non-polar, at codon 316 of the GJA5 protein (p.Arg316Pro). This variant is present in population databases (rs369631383, gnomAD 0.02%). This variant has not been reported in the literature in individuals affected with GJA5-related conditions. ClinVar contains an entry for this variant (Variation ID: 1438018). An algorithm developed to predict the effect of missense changes on protein structure and function outputs the following: PolyPhen-2: "Benign". The proline amino acid residue is found in multiple mammalian species, which suggests that this missense change does not adversely affect protein function. In summary, the available evidence is currently insufficient to determine the role of this variant in disease. Therefore, it has been classified as a Variant of Uncertain Significance.

NM_181703.4(GJA5):c.947G>C (p.Arg316Pro)

Gene: GJA5 (gap junction protein alpha 5; minus strand). Cytogenetic location: 1q21.2.
Variant type: single nucleotide variant.
Coding change: c.947G>C on transcript NM_181703.4 (MANE Select); coding-DNA position 947, G replaced by C.
Protein change: p.Arg316Pro; replaces arginine 316 with proline.
Molecular consequence: missense variant.
Genome position (GRCh38, 1-based): chr1:147,758,292, C>G on the plus strand (G>C on the coding strand, the complement: GJA5 is on the minus strand). VCF-style: chr1-147758292-C-G. GRCh37 (hg19) VCF-style: chr1-147230400-C-G.
Other names: c.947G>C, p.Arg316Pro (NM_005266.7); short protein forms R316P.
Identifiers: ClinVar variation 1438018 (VCV001438018.6), dbSNP rs369631383, ClinGen allele CA1065673.